The following is an entry in ClinVar:

ClinVar aggregate classification (germline): Likely pathogenic (1 of 4 stars; one submission).

Conditions:
Senior-Loken syndrome 4 (SLSN4). Identifiers: Orphanet 3156, MedGen C1846979, MONDO:0011756, OMIM 606996.
Nephronophthisis 4 (NPHP4). Also called: NEPHRONOPHTHISIS 4, JUVENILE. Identifiers: Orphanet 655, MedGen C1847013, MONDO:0011752, OMIM 606966.

Submission:

Juno Genomics, Hangzhou Juno Genomics, Inc
Classification: Likely pathogenic for Nephronophthisis 4; Senior-Loken syndrome 4. Review status: criteria provided, single submitter. Criteria: ACMG Guidelines, 2015. Collection method: clinical testing. Allele origin: germline.
Comment: Null variant in a gene where loss of function (LOF) is a known mechanism of disease.;Absent from controls (or at extremely low frequency if recessive) in Genome Aggregation Database.

NM_015102.5(NPHP4):c.2751_2755dup (p.Met919fs)

Gene: NPHP4 (nephrocystin 4; minus strand). Cytogenetic location: 1p36.31.
Variant type: Duplication.
Coding change: c.2751_2755dup on transcript NM_015102.5 (MANE Select); coding-DNA positions 2751 to 2755, 5 bases duplicated (GCGGA; older notation c.2751_2755dupGCGGA).
Protein change: p.Met919fs; shifts the reading frame from methionine 919.
Molecular consequence: frameshift variant. On other transcripts: non-coding transcript variant (1).
Genome position (GRCh38, 1-based): chr1:5,877,155-5,877,159, TCCGC duplicated on the plus strand (GCGGA on the coding strand, the reverse complement: NPHP4 is on the minus strand); duplicating any 5 consecutive bases within chr1:5,877,155-5,877,162 gives the same sequence; the c. name uses the placement nearest the transcript's 3' end. VCF-style (leftmost placement, unchanged base first): chr1-5877154-A-ATCCGC. GRCh37 (hg19) VCF-style: chr1-5937214-A-ATCCGC.
Other names: c.1212_1216dup, p.Met406fs (NM_001291593.2); c.1215_1219dup, p.Met407fs (NM_001291594.2); short protein forms M406fs, M407fs, M919fs.
Identifiers: ClinVar variation 5006881 (VCV005006881.2).